The following is an entry in ClinVar:

NM_000552.5(VWF):c.236G>T (p.Gly79Val)

Gene: VWF (von Willebrand factor; minus strand). Cytogenetic location: 12p13.31.
Variant type: single nucleotide variant.
Coding change: c.236G>T on transcript NM_000552.5 (MANE Select); coding-DNA position 236, G replaced by T.
Protein change: p.Gly79Val; replaces glycine 79 with valine.
Molecular consequence: missense variant.
Genome position (GRCh38, 1-based): chr12:6,110,953, C>A on the plus strand (G>T on the coding strand, the complement: VWF is on the minus strand). VCF-style: chr12-6110953-C-A. GRCh37 (hg19) VCF-style: chr12-6220119-C-A.
Other names: c.236G>T (NM_000552.4); short protein forms G79V.
Identifiers: ClinVar variation 2507310 (VCV002507310.4), dbSNP rs1020664699, ClinGen allele CA232363901.

ClinVar aggregate classification (germline): Uncertain significance. Review status: criteria provided, multiple submitters, no conflicts (2 of 4 stars). 3 submissions from 3 submitters: Uncertain significance (3). Last evaluated 2024-10-10.

Allele frequency attached by ClinVar (database versions not stated): gnomAD 0.00001; TOPMed 0.00003.
gnomAD v4.1: 31 of 1,613,960 alleles (0.0019%); highest among the groups gnomAD compares: Non-Finnish European, 0.0026%; no homozygotes.

Submissions (3):

Women's Health and Genetics/Laboratory Corporation of America, LabCorp
Classification: Uncertain significance. Last evaluated: 2024-10-10. Review status: criteria provided, single submitter. Criteria: LabCorp Variant Classification Summary - May 2015. Collection method: clinical testing. Allele origin: germline.
Comment: Variant summary: VWF c.236G>T (p.Gly79Val) results in a non-conservative amino acid change located in the von Willebrand factor, type D domain (IPR001846) of the encoded protein sequence. Four of five in-silico tools predict a damaging effect of the variant on protein function. The variant was absent in 251460 control chromosomes. The available data on variant occurrences in the general population are insufficient to allow any conclusion about variant significance. c.236G>T has been reported in the literature in at least one individual with unknown zygosity affected with Von Willebrand Disease (Veyradier_2016). These report(s) do not provide unequivocal conclusions about association of the variant with Von Willebrand Disease. To our knowledge, no experimental evidence demonstrating an impact on protein function has been reported. The following publications have been ascertained in the context of this evaluation (PMID: 37647632, 26986123). ClinVar contains an entry for this variant (Variation ID: 2507310). Based on the evidence outlined above, the variant was classified as uncertain significance.

GeneDx
Classification: Uncertain significance. Last evaluated: 2024-04-22. Review status: criteria provided, single submitter. Criteria: GeneDx Variant Classification Process June 2021. Collection method: clinical testing. Allele origin: germline. Affected: yes.
Comment: Not observed at significant frequency in large population cohorts (gnomAD); In silico analysis supports that this missense variant has a deleterious effect on protein structure/function; Identified in a patient with von Willebrand factor deficiency in published literature (PMID: 26986123); This variant is associated with the following publications: (PMID: 26986123)

Quest Diagnostics Nichols Institute San Juan Capistrano
Classification: Uncertain significance. Last evaluated: 2023-07-25. Review status: criteria provided, single submitter. Criteria: Quest Diagnostics criteria. Collection method: clinical testing. Allele origin: unknown.
Comment: In the published literature, this variant has been reported in individuals with Type 3 von Willebrand Disease (VWD) (PMID: 26986123 (2016)). The frequency of this variant in the general population, 0.0000066 (1/152120 chromosomes (Genome Aggregation Database)), is uninformative in the assessment of its pathogenicity. Analysis of this variant using bioinformatics tools for the prediction of the effect of amino acid changes on protein structure and function yielded predictions that this variant is damaging. Based on the available information, we are unable to determine the clinical significance of this variant.

Literature cited by the submitters: PubMed 26986123 (cited by Women's Health and Genetics/Laboratory Corporation of America, LabCorp and Quest Diagnostics Nichols Institute San Juan Capistrano); PubMed 37647632 (cited by Women's Health and Genetics/Laboratory Corporation of America, LabCorp).